The following is an entry in ClinVar:

NM_203447.4(DOCK8):c.6087G>C (p.Glu2029Asp)

Gene: DOCK8 (dedicator of cytokinesis 8; plus strand). Cytogenetic location: 9p24.3.
Variant type: single nucleotide variant.
Coding change: c.6087G>C on transcript NM_203447.4 (MANE Select); coding-DNA position 6087, G replaced by C.
Protein change: p.Glu2029Asp; replaces glutamic acid 2029 with aspartic acid.
Molecular consequence: missense variant.
Genome position (GRCh38, 1-based): chr9:463,535, G>C. VCF-style: chr9-463535-G-C. GRCh37 (hg19) VCF-style: chr9-463535-G-C.
Other names: c.5787G>C, p.Glu1929Asp (NM_001190458.2); c.5883G>C, p.Glu1961Asp (NM_001193536.2); short protein forms E1929D, E1961D, E2029D.
Identifiers: ClinVar variation 857089 (VCV000857089.7), dbSNP rs371596862, ClinGen allele CA4959681.

ClinVar aggregate classification (germline): Conflicting classifications of pathogenicity. Review status: criteria provided, conflicting classifications (1 of 4 stars). 2 submissions from 2 submitters: Uncertain significance (1); Likely benign (1). Last evaluated 2025-11-03.

Allele frequency attached by ClinVar (database versions not stated): gnomAD exomes 0.00003 and 0.00009; ExAC 0.00007; TOPMed 0.00008; 1000 Genomes Project 30x 0.00016; 1000 Genomes Project 0.00020.
gnomAD v4.1: 70 of 1,614,184 alleles (0.0043%); highest among the groups gnomAD compares: South Asian, 0.04%; no homozygotes.

Submissions (2):

Women's Health and Genetics/Laboratory Corporation of America, LabCorp
Classification: Likely benign. Last evaluated: 2025-11-03. Review status: criteria provided, single submitter. Criteria: LabCorp Variant Classification Summary - May 2015. Collection method: clinical testing. Allele origin: germline.
Comment: Variant summary: DOCK8 c.6087G>C (p.Glu2029Asp) results in a conservative amino acid change in the encoded protein sequence. Algorithms developed to predict the effect of missense changes on protein structure and function are either unavailable or do not agree on the potential impact of this missense change. The variant allele was found at a frequency of 8.8e-05 in 251368 control chromosomes, predominantly at a frequency of 0.00065 within the East Asian subpopulation in the gnomAD database. The observed variant frequency within East Asian control individuals in the gnomAD database exceeds the estimated maximal expected allele frequency for disease-causing variants in DOCK8. c.6087G>C has been observed in an unknown state in at least 1 individual(s) affected with clinical features of DOCK8-deficiency (Ganesan_2024) without strong evidence for causality. These report(s) do not provide unequivocal conclusions about association of the variant with Severe Combined Immunodeficiency. To our knowledge, no experimental evidence demonstrating an impact on protein function has been reported. The following publications have been ascertained in the context of this evaluation (PMID: 38332430, 30564305). ClinVar contains an entry for this variant (Variation ID: 857089). Based on the evidence outlined above, the variant was classified as likely benign.

Labcorp Genetics (formerly Invitae), Labcorp
Classification: Uncertain significance for Combined immunodeficiency due to DOCK8 deficiency. Last evaluated: 2025-01-02. Review status: criteria provided, single submitter. Criteria: Invitae Variant Classification Sherloc (09022015). Collection method: clinical testing. Allele origin: germline.
Comment: This sequence change replaces glutamic acid, which is acidic and polar, with aspartic acid, which is acidic and polar, at codon 2029 of the DOCK8 protein (p.Glu2029Asp). This variant is present in population databases (rs371596862, gnomAD 0.06%). This variant has not been reported in the literature in individuals affected with DOCK8-related conditions. ClinVar contains an entry for this variant (Variation ID: 857089). Invitae Evidence Modeling of protein sequence and biophysical properties (such as structural, functional, and spatial information, amino acid conservation, physicochemical variation, residue mobility, and thermodynamic stability) has been performed for this missense variant. However, the output from this modeling did not meet the statistical confidence thresholds required to predict the impact of this variant on DOCK8 protein function. In summary, the available evidence is currently insufficient to determine the role of this variant in disease. Therefore, it has been classified as a Variant of Uncertain Significance.

Literature cited by the submitters: PubMed 30564305 (cited by Women's Health and Genetics/Laboratory Corporation of America, LabCorp); PubMed 38332430 (cited by Women's Health and Genetics/Laboratory Corporation of America, LabCorp).